The following is an entry in ClinVar:

ClinVar aggregate classification (germline): Uncertain significance. Review status: criteria provided, multiple submitters, no conflicts (2 of 4 stars). 2 submissions from 2 submitters: Uncertain significance (2). Last evaluated 2022-03-13.

Submissions (2):

Labcorp Genetics (formerly Invitae), Labcorp
Classification: Uncertain significance. Last evaluated: 2022-03-13. Review status: criteria provided, single submitter. Criteria: Invitae Variant Classification Sherloc (09022015). Collection method: clinical testing. Allele origin: germline.
Comment: This sequence change replaces tryptophan, which is neutral and slightly polar, with glycine, which is neutral and non-polar, at codon 187 of the BEST1 protein (p.Trp187Gly). In summary, the available evidence is currently insufficient to determine the role of this variant in disease. Therefore, it has been classified as a Variant of Uncertain Significance. Advanced modeling of protein sequence and biophysical properties (such as structural, functional, and spatial information, amino acid conservation, physicochemical variation, residue mobility, and thermodynamic stability) performed at Invitae indicates that this missense variant is expected to disrupt BEST1 protein function. ClinVar contains an entry for this variant (Variation ID: 867216). This variant has not been reported in the literature in individuals affected with BEST1-related conditions. This variant is not present in population databases (gnomAD no frequency).

Blueprint Genetics
Classification: Uncertain significance. Last evaluated: 2019-08-08. Review status: criteria provided, single submitter. Criteria: ACMG Guidelines, 2015. Collection method: clinical testing. Allele origin: germline.

NM_004183.4(BEST1):c.559T>G (p.Trp187Gly)

Gene: BEST1 (bestrophin 1; plus strand). Cytogenetic location: 11q12.3.
Variant type: single nucleotide variant.
Coding change: c.559T>G on transcript NM_004183.4 (MANE Select); coding-DNA position 559, T replaced by G.
Protein change: p.Trp187Gly; replaces tryptophan 187 with glycine.
Molecular consequence: missense variant. On other transcripts: non-coding transcript variant (1).
Genome position (GRCh38, 1-based): chr11:61,956,921, T>G. VCF-style: chr11-61956921-T-G. GRCh37 (hg19) VCF-style: chr11-61724393-T-G.
Other names: c.379T>G, p.Trp127Gly (NM_001139443.3, NM_001300786.2, NM_001300787.2); c.241T>G, p.Trp81Gly (NM_001363591.3); c.559T>G, p.Trp187Gly (NM_001363592.2); c.-617T>G (NM_001363593.3); short protein forms W187G, W81G, W127G.
Identifiers: ClinVar variation 867216 (VCV000867216.7), dbSNP rs1941429437, ClinGen allele CA380837438.